The following is an entry in ClinVar:

NM_000353.3(TAT):c.61C>A (p.His21Asn)

Gene: TAT (tyrosine aminotransferase; minus strand). Cytogenetic location: 16q22.2.
Variant type: single nucleotide variant.
Coding change: c.61C>A on transcript NM_000353.3 (MANE Select); coding-DNA position 61, C replaced by A.
Protein change: p.His21Asn; replaces histidine 21 with asparagine.
Molecular consequence: missense variant.
Genome position (GRCh38, 1-based): chr16:71,576,355, G>T on the plus strand (C>A on the coding strand, the complement: TAT is on the minus strand). VCF-style: chr16-71576355-G-T. GRCh37 (hg19) VCF-style: chr16-71610258-G-T.
Other names: short protein forms H21N.
Identifiers: ClinVar variation 1509574 (VCV001509574.6), dbSNP rs1378439044, ClinGen allele CA396654520.

ClinVar aggregate classification (germline): Uncertain significance (1 of 4 stars; one submission).

Conditions:
Tyrosinemia type II (TYRSN2). Also called: KERATOSIS PALMOPLANTARIS WITH CORNEAL DYSTROPHY; OREGON TYPE TYROSINEMIA; TAT DEFICIENCY; TYROSINE AMINOTRANSFERASE DEFICIENCY; TYROSINE TRANSAMINASE DEFICIENCY. Identifiers: Orphanet 28378, MedGen C0268487, MONDO:0010160, OMIM 276600.

Allele frequency attached by ClinVar (database versions not stated): gnomAD 0.00001.

Submission:

Labcorp Genetics (formerly Invitae), Labcorp
Classification: Uncertain significance for Tyrosinemia type II. Last evaluated: 2022-06-29. Review status: criteria provided, single submitter. Criteria: Invitae Variant Classification Sherloc (09022015). Collection method: clinical testing. Allele origin: germline.
Comment: In summary, the available evidence is currently insufficient to determine the role of this variant in disease. Therefore, it has been classified as a Variant of Uncertain Significance. This sequence change replaces histidine, which is basic and polar, with asparagine, which is neutral and polar, at codon 21 of the TAT protein (p.His21Asn). Algorithms developed to predict the effect of missense changes on protein structure and function (SIFT, PolyPhen-2, Align-GVGD) all suggest that this variant is likely to be tolerated. This variant has not been reported in the literature in individuals affected with TAT-related conditions. This variant is present in population databases (no rsID available, gnomAD 0.007%).